The following is an entry in ClinVar:

NM_001134407.3(GRIN2A):c.1549G>A (p.Glu517Lys)

Gene: GRIN2A (glutamate ionotropic receptor NMDA type subunit 2A; minus strand). Cytogenetic location: 16p13.2.
Variant type: single nucleotide variant.
Coding change: c.1549G>A on transcript NM_001134407.3 (MANE Select); coding-DNA position 1549, G replaced by A.
Protein change: p.Glu517Lys; replaces glutamic acid 517 with lysine.
Molecular consequence: missense variant.
Genome position (GRCh38, 1-based): chr16:9,840,749, C>T on the plus strand (G>A on the coding strand, the complement: GRIN2A is on the minus strand). VCF-style: chr16-9840749-C-T. GRCh37 (hg19) VCF-style: chr16-9934606-C-T.
Other names: c.1549G>A, p.Glu517Lys (NM_000833.5, NM_001134408.2); short protein forms E517K.
Identifiers: ClinVar variation 1060626 (VCV001060626.5), dbSNP rs1555494686, ClinGen allele CA394800393.

ClinVar aggregate classification (germline): Uncertain significance (1 of 4 stars; one submission).

Conditions:
Landau-Kleffner syndrome (FESD). Also called: APHASIA, ACQUIRED, WITH EPILEPSY; EPILEPSY, FOCAL, WITH SPEECH DISORDER AND WITH OR WITHOUT MENTAL RETARDATION. Identifiers: Orphanet 1945, Orphanet 725, Orphanet 98818, MedGen C0282512, MONDO:0009509, OMIM 245570.

Submission:

Labcorp Genetics (formerly Invitae), Labcorp
Classification: Uncertain significance for Landau-Kleffner syndrome. Last evaluated: 2020-10-05. Review status: criteria provided, single submitter. Criteria: Invitae Variant Classification Sherloc (09022015). Collection method: clinical testing. Allele origin: germline.
Comment: This sequence change replaces glutamic acid with lysine at codon 517 of the GRIN2A protein (p.Glu517Lys). The glutamic acid residue is highly conserved and there is a small physicochemical difference between glutamic acid and lysine. This variant is not present in population databases (ExAC no frequency). This variant has not been reported in the literature in individuals with GRIN2A-related conditions. Algorithms developed to predict the effect of missense changes on protein structure and function (SIFT, PolyPhen-2, Align-GVGD) all suggest that this variant is likely to be disruptive, but these predictions have not been confirmed by published functional studies and their clinical significance is uncertain. In summary, the available evidence is currently insufficient to determine the role of this variant in disease. Therefore, it has been classified as a Variant of Uncertain Significance.